The following is an entry in ClinVar:

ClinVar aggregate classification (germline): Benign/Likely benign. Review status: criteria provided, multiple submitters, no conflicts (2 of 4 stars). 6 submissions from 6 submitters: Benign (2); Likely benign (2). 2 of the submissions do not count toward it. Last evaluated 2026-03-23.

Conditions:
Fanconi anemia complementation group D2. Also called: FANCD2-Related Fanconi Anemia; FANCONI PANCYTOPENIA, TYPE 4; FANCONI ANEMIA, COMPLEMENTATION GROUP D. Identifiers: Orphanet 84, MedGen C3160738, MONDO:0009214, OMIM 227646.

Allele frequency attached by ClinVar (database versions not stated): 1000 Genomes Project 30x 0.44488; ExAC 0.44948.

Submissions (6):

Women's Health and Genetics/Laboratory Corporation of America, LabCorp
Classification: Likely benign. Last evaluated: 2026-03-23. Review status: criteria provided, single submitter. Criteria: LabCorp Variant Classification Summary - May 2015. Collection method: clinical testing. Allele origin: germline.

GeneDx
Classification: Likely benign. Last evaluated: 2021-02-10. Review status: criteria provided, single submitter. Criteria: GeneDx Variant Classification Process June 2021. Collection method: clinical testing. Allele origin: germline. Affected: yes.

Illumina Laboratory Services, Illumina
Classification: Benign for Fanconi anemia complementation group D2. Last evaluated: 2018-01-12. Review status: criteria provided, single submitter. Criteria: ICSL Variant Classification Criteria 13 December 2019. Collection method: clinical testing. Allele origin: germline.
Comment: This variant was observed in the ICSL laboratory as part of a predisposition screen in an ostensibly healthy population. It had not been previously curated by ICSL or reported in the Human Gene Mutation Database (HGMD: prior to June 1st, 2018), and was therefore a candidate for classification through an automated scoring system. Utilizing variant allele frequency, disease prevalence and penetrance estimates, and inheritance mode, an automated score was calculated to assess if this variant is too frequent to cause the disease. Based on the score and internal cut-off values, a variant classified as benign is not then subjected to further curation. The score for this variant resulted in a classification of benign for this disease.

ARUP Laboratories, Molecular Genetics and Genomics, ARUP Laboratories
Classification: Benign. Last evaluated: 2016-08-08. Review status: criteria provided, single submitter. Criteria: ARUP Molecular Germline Variant Investigation Process. Collection method: clinical testing. Allele origin: germline.

Clinical Genetics DNA and cytogenetics Diagnostics Lab, Erasmus MC, Erasmus Medical Center
Classification: Likely benign. Review status: no assertion criteria provided. Collection method: clinical testing. Allele origin: germline. Affected: yes. Study: VKGL Data-share Consensus. Not counted in ClinVar's aggregate classification.

Diagnostic Laboratory, Department of Genetics, University Medical Center Groningen
Classification: Benign for Fanconi anemia complementation group D2. Review status: no assertion criteria provided. Collection method: clinical testing. Allele origin: germline. Affected: yes. Study: VKGL Data-share Consensus. Not counted in ClinVar's aggregate classification.

NM_001018115.3(FANCD2):c.1401G>A (p.Thr467=)

Genes: FANCD2 (FA complementation group D2; plus strand), LOC107303338 (3p25 FANCD2 Alu-mediated recombination region; plus strand). Cytogenetic location: 3p25.3.
Variant type: single nucleotide variant.
Coding change: c.1401G>A on transcript NM_001018115.3 (MANE Select); coding-DNA position 1401, G replaced by A.
Protein change: p.Thr467=; no amino-acid change (threonine 467 retained).
Molecular consequence: synonymous variant.
Genome position (GRCh38, 1-based): chr3:10,048,039, G>A. VCF-style: chr3-10048039-G-A. GRCh37 (hg19) VCF-style: chr3-10089723-G-A.
Other names: c.1401G>A, p.Thr467= (NM_001319984.2, NM_001374253.1, NM_001374254.1 and 1 more transcripts).
Identifiers: ClinVar variation 342267 (VCV000342267.16), dbSNP rs12330369, ClinGen allele CA2249630.